The following is an entry in ClinVar:

NM_000051.4(ATM):c.9011A>G (p.Lys3004Arg)

Genes: ATM (ATM serine/threonine kinase; plus strand), C11orf65 (chromosome 11 open reading frame 65; minus strand). Cytogenetic location: 11q22.3.
Variant type: single nucleotide variant.
Coding change: c.9011A>G on transcript NM_000051.4 (MANE Select); coding-DNA position 9011, A replaced by G.
Protein change: p.Lys3004Arg; replaces lysine 3004 with arginine.
Molecular consequence: missense variant. On other transcripts: intron variant (2).
Genome position (GRCh38, 1-based): chr11:108,365,348, A>G. VCF-style: chr11-108365348-A-G. GRCh37 (hg19) VCF-style: chr11-108236075-A-G.
Other names: c.9011A>G, p.Lys3004Arg (NM_001351834.2); c.640+20572T>C (NM_001330368.2); c.694+20572T>C (NM_001351110.2); short protein forms K3004R.
Identifiers: ClinVar variation 3967147 (VCV003967147.1).
Genomic context (GRCh38, chr11:108,365,348, plus strand): 5'-GTTCACCTCACTGAAACCTTTGTGTTTTTGTCCTTAGTGATATTGACCAGAGTTTCAACA[A>G]AGTAGCTGAACGTGTCTTAATGAGACTACAAGAGAAACTGAAAGGAGTGGAAGAAGGCAC-3'
Protein context (NP_000042.3, residues 2994-3014): NLSDIDQSFN[Lys3004Arg]VAERVLMRLQ

ClinVar aggregate classification (germline): Uncertain significance (1 of 4 stars; one submission).

Conditions:
Hereditary cancer-predisposing syndrome. Also called: Neoplastic Syndromes, Hereditary; Tumor predisposition; Hereditary Cancer Syndrome; Hereditary neoplastic syndrome. Identifiers: Orphanet 140162, MedGen C0027672, MeSH D009386, MONDO:0015356.

Submission:

Ambry Genetics
Classification: Uncertain significance for Hereditary cancer-predisposing syndrome. Last evaluated: 2025-05-16. Review status: criteria provided, single submitter. Criteria: Ambry Variant Classification Scheme 2023. Collection method: clinical testing. Allele origin: germline.
Comment: The p.K3004R variant (also known as c.9011A>G), located in coding exon 62 of the ATM gene, results from an A to G substitution at nucleotide position 9011. The lysine at codon 3004 is replaced by arginine, an amino acid with highly similar properties. This amino acid position is conserved. In addition, this alteration is predicted to be tolerated by in silico analysis. Based on the available evidence, the clinical significance of this variant remains unclear.